The following is an entry in ClinVar:

ClinVar aggregate classification (germline): Uncertain significance (1 of 4 stars; one submission).

Conditions:
Hereditary nonpolyposis colorectal neoplasms. Identifiers: MedGen C0009405, MeSH D003123.

Submission:

Labcorp Genetics (formerly Invitae), Labcorp
Classification: Uncertain significance for Hereditary nonpolyposis colorectal neoplasms. Last evaluated: 2025-08-06. Review status: criteria provided, single submitter. Criteria: Invitae Variant Classification Sherloc (09022015). Collection method: clinical testing. Allele origin: germline.
Comment: This sequence change replaces alanine, which is neutral and non-polar, with threonine, which is neutral and polar, at codon 1261 of the MSH6 protein (p.Ala1261Thr). This variant is not present in population databases (gnomAD no frequency). This variant has not been reported in the literature in individuals affected with MSH6-related conditions. ClinVar contains an entry for this variant (Variation ID: 1379151). Invitae Evidence Modeling of protein sequence and biophysical properties (such as structural, functional, and spatial information, amino acid conservation, physicochemical variation, residue mobility, and thermodynamic stability) indicates that this missense variant is not expected to disrupt MSH6 protein function with a negative predictive value of 95%. In summary, the available evidence is currently insufficient to determine the role of this variant in disease. Therefore, it has been classified as a Variant of Uncertain Significance.

NM_000179.3(MSH6):c.3781G>A (p.Ala1261Thr)

Gene: MSH6 (mutS homolog 6; plus strand). Cytogenetic location: 2p16.3.
Variant type: single nucleotide variant.
Coding change: c.3781G>A on transcript NM_000179.3 (MANE Select); coding-DNA position 3781, G replaced by A.
Protein change: p.Ala1261Thr; replaces alanine 1261 with threonine.
Molecular consequence: missense variant.
Genome position (GRCh38, 1-based): chr2:47,806,338, G>A. VCF-style: chr2-47806338-G-A. GRCh37 (hg19) VCF-style: chr2-48033477-G-A.
Other names: c.3391G>A, p.Ala1131Thr (NM_001281492.2); c.2875G>A, p.Ala959Thr (NM_001281493.2, NM_001281494.2); short protein forms A959T, A1131T, A1261T.
Identifiers: ClinVar variation 1379151 (VCV001379151.6), dbSNP rs2104545816, ClinGen allele CA346761155.
Genomic context (GRCh38, chr2:47,806,338, plus strand): 5'-TGTCGTACATTATTTTCAACTCACTACCATTCATTAGTAGAAGATTATTCTCAAAATGTT[G>A]CTGTGCGCCTAGGACATATGGTATGTGCAAATTGTTTTTTTCCACAAATTCGGTTTTTTG-3'
Protein context (NP_000170.1, residues 1251-1271): SLVEDYSQNV[Ala1261Thr]VRLGHMACMV